The following is an entry in ClinVar:

NM_020821.3(VPS13C):c.8155C>T (p.Gln2719Ter)

Gene: VPS13C (vacuolar protein sorting 13 homolog C; minus strand). Cytogenetic location: 15q22.2.
Variant type: single nucleotide variant.
Coding change: c.8155C>T on transcript NM_020821.3 (MANE Select); coding-DNA position 8155, C replaced by T.
Protein change: p.Gln2719Ter; replaces glutamine 2719 with a stop codon.
Molecular consequence: nonsense.
Genome position (GRCh38, 1-based): chr15:61,915,923, G>A on the plus strand (C>T on the coding strand, the complement: VPS13C is on the minus strand). VCF-style: chr15-61915923-G-A. GRCh37 (hg19) VCF-style: chr15-62208122-G-A.
Other names: c.8155C>T, p.Gln2719Ter (NM_001018088.3); c.8026C>T, p.Gln2676Ter (NM_017684.5, NM_018080.4); short protein forms Q2676*, Q2719*.
Identifiers: ClinVar variation 3645958 (VCV003645958.2).
Genomic context (GRCh38, chr15:61,915,923, plus strand): 5'-CAGGAAAGAATTCTGGTAGTGTATCACGTATGCGGAAATGTCCATTCCAGTTTTTGCCCT[G>A]GTATTTCACCAGGACTAATTCCATTATTTCACCACTGATTCTCGAATGCAGAACATCAGC-3'

ClinVar aggregate classification (germline): Pathogenic (1 of 4 stars; one submission).

gnomAD v4.1: 1 of 1,613,798 alleles (0.000062%); highest among the groups gnomAD compares: Non-Finnish European, 0.000085%; no homozygotes.

Submission:

Labcorp Genetics (formerly Invitae), Labcorp
Classification: Pathogenic. Last evaluated: 2024-03-21. Review status: criteria provided, single submitter. Criteria: Invitae Variant Classification Sherloc (09022015). Collection method: clinical testing. Allele origin: germline.
Comment: This sequence change creates a premature translational stop signal (p.Gln2719*) in the VPS13C gene. It is expected to result in an absent or disrupted protein product. Loss-of-function variants in VPS13C are known to be pathogenic (PMID: 26942284, 34875562). This variant is not present in population databases (gnomAD no frequency). This variant has not been reported in the literature in individuals affected with VPS13C-related conditions. Algorithms developed to predict the effect of sequence changes on RNA splicing suggest that this variant may create or strengthen a splice site. For these reasons, this variant has been classified as Pathogenic.

Literature cited by the submitters: PubMed 26942284; PubMed 34875562.